The following is an entry in ClinVar:

ClinVar aggregate classification (germline): Uncertain significance (1 of 4 stars; one submission).

Conditions:
Candidiasis, familial, 8 (CANDF8). Identifiers: Orphanet 1334, MedGen C3714992, MONDO:0014230, OMIM 615527.

Allele frequency attached by ClinVar (database versions not stated): gnomAD exomes 0.00001.
gnomAD v4.1: 19 of 1,535,048 alleles (0.0012%); highest among the groups gnomAD compares: Non-Finnish European, 0.0017%; no homozygotes.

Submission:

Labcorp Genetics (formerly Invitae), Labcorp
Classification: Uncertain significance for Candidiasis, familial, 8. Last evaluated: 2023-04-24. Review status: criteria provided, single submitter. Criteria: Invitae Variant Classification Sherloc (09022015). Collection method: clinical testing. Allele origin: germline.
Comment: In summary, the available evidence is currently insufficient to determine the role of this variant in disease. Therefore, it has been classified as a Variant of Uncertain Significance. Advanced modeling of protein sequence and biophysical properties (such as structural, functional, and spatial information, amino acid conservation, physicochemical variation, residue mobility, and thermodynamic stability) performed at Invitae indicates that this missense variant is not expected to disrupt TRAF3IP2 protein function. ClinVar contains an entry for this variant (Variation ID: 934857). This variant has not been reported in the literature in individuals affected with TRAF3IP2-related conditions. The frequency data for this variant in the population databases is considered unreliable, as metrics indicate poor data quality at this position in the gnomAD database. This sequence change replaces alanine, which is neutral and non-polar, with threonine, which is neutral and polar, at codon 246 of the TRAF3IP2 protein (p.Ala246Thr).

NM_147686.4(TRAF3IP2):c.736G>A (p.Ala246Thr)

Genes: TRAF3IP2-AS1 (TRAF3IP2 antisense RNA 1; plus strand), TRAF3IP2 (TRAF3 interacting protein 2; minus strand), LOC114803478 (TRAF3IP2 eExon liver enhancer; plus strand). Cytogenetic location: 6q21.
Variant type: single nucleotide variant.
Coding change: c.736G>A on transcript NM_147686.4 (MANE Select); coding-DNA position 736, G replaced by A.
Protein change: p.Ala246Thr; replaces alanine 246 with threonine.
Molecular consequence: missense variant.
Genome position (GRCh38, 1-based): chr6:111,591,351, C>T on the plus strand (G>A on the coding strand, the complement: TRAF3IP2 is on the minus strand). VCF-style: chr6-111591351-C-T. GRCh37 (hg19) VCF-style: chr6-111912554-C-T.
Other names: c.736G>A, p.Ala246Thr (NM_001164281.3); c.763G>A, p.Ala255Thr (NM_147200.3); short protein forms A246T, A255T.
Identifiers: ClinVar variation 934857 (VCV000934857.7), dbSNP rs1364602237, ClinGen allele CA365365938.